The following is an entry in ClinVar:

NM_003309.4(TSPYL1):c.920T>C (p.Leu307Ser)

Genes: DSE (dermatan sulfate epimerase; plus strand), TSPYL1 (TSPY like 1; minus strand). Cytogenetic location: 6q22.1.
Variant type: single nucleotide variant.
Coding change: c.920T>C on transcript NM_003309.4 (MANE Select); coding-DNA position 920, T replaced by C.
Protein change: p.Leu307Ser; replaces leucine 307 with serine.
Molecular consequence: missense variant. On other transcripts: intron variant (6).
Genome position (GRCh38, 1-based): chr6:116,278,911, A>G on the plus strand (T>C on the coding strand, the complement: TSPYL1 is on the minus strand). VCF-style: chr6-116278911-A-G. GRCh37 (hg19) VCF-style: chr6-116600074-A-G.
Other names: c.[920T>C] (NM_003309.4); c.-954+19944A>G (NM_001374520.1); c.-54+19944A>G (NM_001322937.2, NM_001322938.2, NM_001374522.1); c.-641+19944A>G (NM_001374521.1); c.-611+19944A>G (NM_001322940.2); short protein forms L307S.
Identifiers: ClinVar variation 1339090 (VCV001339090.4), dbSNP rs1773301663, ClinGen allele CA365531080.
Genomic context (GRCh38, chr6:116,278,911, plus strand): 5'-CTTCTAAAGAAGAACTTGAACTTGCAACCGGTTCTAGGGTGTCTGAGTTCCTTCACCTCT[A>G]AATTGGTTATGTACCTTAACATCTCTGCATCTTGGCCCCTAATCATGGCGGACAACTGGG-3'
Protein context (NP_003300.1, residues 297-317): DAEMLRYITN[Leu307Ser]EVKELRHPRT

ClinVar aggregate classification (germline): Uncertain significance (1 of 4 stars; one submission).

Conditions:
Sudden infant death-dysgenesis of the testes syndrome. Identifiers: Orphanet 168593, MedGen C1837371, MONDO:0012124, OMIM 608800.

Allele frequency attached by ClinVar (database versions not stated): TOPMed below 0.00001.

Submission:

Neuberg Centre For Genomic Medicine, NCGM
Classification: Uncertain significance for Sudden infant death-dysgenesis of the testes syndrome. Review status: criteria provided, single submitter. Criteria: ACMG Guidelines, 2015. Collection method: clinical testing. Allele origin: germline. Affected: yes.
Comment: The missense variant p.L307S in TSPYL1 (NM_003309.4) has not been reported previously as a pathogenic variant nor as a benign variant, to our knowledge. The p.L307S variant is novel (not in any individuals) in gnomAD Exomes and is novel (not in any individuals) in 1000 Genomes. There is a large physicochemical difference between leucine and serine, which is likely to impact secondary protein structure as these residues differ in polarity, charge, size and/or other properties. The p.L307S missense variant is predicted to be damaging by both SIFT and PolyPhen2. The nucleotide c.920 in TSPYL1 is predicted conserved by GERP++ and PhyloP across 100 vertebrates. For these reasons, this variant has been classified as Uncertain Significance.